The following is an entry in ClinVar:

NM_001130965.3(SUN1):c.851+5G>A

Gene: SUN1 (Sad1 and UNC84 domain containing 1; plus strand). Cytogenetic location: 7p22.3.
Variant type: single nucleotide variant.
Coding change: c.851+5G>A on transcript NM_001130965.3 (MANE Select); 5 bases into the intron after coding-DNA position 851, G replaced by A.
Molecular consequence: intron variant.
Genome position (GRCh38, 1-based): chr7:852,048, G>A. VCF-style: chr7-852048-G-A. GRCh37 (hg19) VCF-style: chr7-891685-G-A.
Other names: c.851+5G>A (NM_001367634.1, NM_001367633.1, NM_001367653.1 and 3 more transcripts); c.1265+5G>A (NM_001367651.1); c.878+5G>A (NM_001367669.1); c.1244+5G>A (NM_001367705.1, NM_001367703.1, NM_001367678.1 and 2 more transcripts); c.1145+5G>A (NM_001367690.1); c.1133+5G>A (NM_001367641.1, NM_001367682.1, NM_001367698.1); c.1034+5G>A (NM_001367676.1, NM_001367675.1, NM_001367640.1); c.1160+5G>A (NM_001367692.1, NM_001367677.1); and 24 more.
Identifiers: ClinVar variation 2055852 (VCV002055852.4), dbSNP rs748788152, ClinGen allele CA4111939.

ClinVar aggregate classification (germline): Uncertain significance (1 of 4 stars; one submission).

Conditions:
Emery-Dreifuss muscular dystrophy (EDMD). Also called: Scapuloperoneal syndrome, X-linked (formerly); Humeroperoneal neuromuscular disease, (formerly). Identifiers: Orphanet 261, MedGen C0410189, MONDO:0016830.

Allele frequency attached by ClinVar (database versions not stated): TOPMed below 0.00001; gnomAD 0.00001; gnomAD exomes 0.00001; ExAC 0.00003.
gnomAD v4.1: 16 of 1,613,724 alleles (0.00099%); highest among the groups gnomAD compares: Admixed American, 0.0017%; no homozygotes.

Submission:

Labcorp Genetics (formerly Invitae), Labcorp
Classification: Uncertain significance for Emery-Dreifuss muscular dystrophy. Last evaluated: 2025-07-31. Review status: criteria provided, single submitter. Criteria: Invitae Variant Classification Sherloc (09022015). Collection method: clinical testing. Allele origin: germline.
Comment: This sequence change falls in intron 7 of the SUN1 gene. It does not directly change the encoded amino acid sequence of the SUN1 protein. It affects a nucleotide within the consensus splice site. This variant is present in population databases (rs748788152, gnomAD 0.004%). This variant has not been reported in the literature in individuals affected with SUN1-related conditions. ClinVar contains an entry for this variant (Variation ID: 2055852). Variants that disrupt the consensus splice site are a relatively common cause of aberrant splicing (PMID: 17576681, 9536098). Algorithms developed to predict the effect of sequence changes on RNA splicing suggest that this variant may disrupt the consensus splice site. In summary, the available evidence is currently insufficient to determine the role of this variant in disease. Therefore, it has been classified as a Variant of Uncertain Significance.

Literature cited by the submitters: PubMed 17576681; PubMed 9536098.